The following is an entry in ClinVar:

ClinVar aggregate classification (germline): Benign/Likely benign. Review status: criteria provided, multiple submitters, no conflicts (2 of 4 stars). 2 submissions from 2 submitters: Benign (1); Likely benign (1). Last evaluated 2025-12-05.

Conditions:
Primary ciliary dyskinesia. Also called: Ciliary dyskinesia. Identifiers: Orphanet 244, MedGen C0008780, MONDO:0016575, HP:0012265.

Allele frequency attached by ClinVar (database versions not stated): gnomAD exomes 0.00049 and 0.00134; ExAC 0.00939; gnomAD 0.01637 and 0.01735; ESP Exome Variant Server 0.04159.

Submissions (2):

Labcorp Genetics (formerly Invitae), Labcorp
Classification: Benign for Primary ciliary dyskinesia. Last evaluated: 2025-12-05. Review status: criteria provided, single submitter. Criteria: Invitae Variant Classification Sherloc (09022015). Collection method: clinical testing. Allele origin: germline.

GeneDx
Classification: Likely benign. Last evaluated: 2020-03-06. Review status: criteria provided, single submitter. Criteria: GeneDx Variant Classification Process June 2021. Collection method: clinical testing. Allele origin: germline. Affected: yes.
Comment: See Variant Classification Assertion Criteria.

NM_001277115.2(DNAH11):c.9102+21_9102+22dup

Gene: DNAH11 (dynein axonemal heavy chain 11; plus strand). Cytogenetic location: 7p15.3.
Variant type: Duplication.
Coding change: c.9102+21_9102+22dup on transcript NM_001277115.2 (MANE Select); bases 21 to 22 of the intron after coding-DNA position 9102, 2 bases duplicated (TC; older notation c.9102+21_9102+22dupTC).
Molecular consequence: intron variant.
Genome position (GRCh38, 1-based): chr7:21,765,610-21,765,611, TC duplicated. VCF-style (leftmost placement, unchanged base first): chr7-21765609-G-GTC. GRCh37 (hg19) VCF-style: chr7-21805227-G-GTC.
Identifiers: ClinVar variation 1624185 (VCV001624185.10), dbSNP rs200306386, ClinGen allele CA4181844.